The following is an entry in ClinVar:

NM_001199107.2(TBC1D24):c.680G>T (p.Arg227Leu)

Gene: TBC1D24 (TBC1 domain family member 24; plus strand). Cytogenetic location: 16p13.3.
Variant type: single nucleotide variant.
Coding change: c.680G>T on transcript NM_001199107.2 (MANE Select); coding-DNA position 680, G replaced by T.
Protein change: p.Arg227Leu; replaces arginine 227 with leucine.
Molecular consequence: missense variant.
Genome position (GRCh38, 1-based): chr16:2,496,828, G>T. VCF-style: chr16-2496828-G-T. GRCh37 (hg19) VCF-style: chr16-2546829-G-T.
Other names: p.R227L:CGG>CTG; c.680G>T, p.Arg227Leu (NM_020705.3); short protein forms R227L.
Identifiers: ClinVar variation 207503 (VCV000207503.21), dbSNP rs756181906, ClinGen allele CA319035.

ClinVar aggregate classification (germline): Conflicting classifications of pathogenicity. Review status: criteria provided, conflicting classifications (1 of 4 stars). 4 submissions from 4 submitters: Pathogenic (2); Likely pathogenic (1); Uncertain significance (1). Last evaluated 2024-12-19.

Conditions:
Autosomal dominant nonsyndromic hearing loss 65. Also called: Deafness, autosomal dominant 65; TBC1D24-Related Autosomal Dominant Nonsyndromic Hearing Loss (DFNA). Identifiers: Orphanet 90635, MedGen C3892048, MONDO:0014470, OMIM 616044.
Developmental and epileptic encephalopathy, 1 (DEE1). Also called: Epileptic encephalopathy, early infantile, 1; X-linked infantile spasms; West's syndrome; Tonic spasms with clustering, arrest of psychomotor development and hypsarrhythmia on EEG; X-Linked Infantile Spasm Syndrome; OHTAHARA SYNDROME, X-LINKED. Identifiers: MedGen C3463992, MONDO:0010632, OMIM 308350. Disease mechanism: loss of function.
Inborn genetic diseases. Identifiers: MedGen C0950123, MeSH D030342.

Allele frequency attached by ClinVar (database versions not stated): gnomAD 0.00001; TOPMed 0.00001.
gnomAD v4.1: 26 of 1,613,926 alleles (0.0016%); highest among the groups gnomAD compares: Non-Finnish European, 0.0022%; no homozygotes.

Submissions (4):

GeneDx
Classification: Pathogenic. Last evaluated: 2024-12-19. Review status: criteria provided, single submitter. Criteria: GeneDx Variant Classification Process June 2021. Collection method: clinical testing. Allele origin: germline. Affected: yes.
Comment: Not observed at significant frequency in large population cohorts (gnomAD); In silico analysis supports that this missense variant has a deleterious effect on protein structure/function; This variant is associated with the following publications: (PMID: 29655203, 28252636, 35217970, 31922275, 33929620)

Labcorp Genetics (formerly Invitae), Labcorp
Classification: Pathogenic for Developmental and epileptic encephalopathy, 1; Autosomal dominant nonsyndromic hearing loss 65. Last evaluated: 2024-11-21. Review status: criteria provided, single submitter. Criteria: Invitae Variant Classification Sherloc (09022015). Collection method: clinical testing. Allele origin: germline.
Comment: This sequence change replaces arginine, which is basic and polar, with leucine, which is neutral and non-polar, at codon 227 of the TBC1D24 protein (p.Arg227Leu). This variant is not present in population databases (gnomAD no frequency). This missense change has been observed in individual(s) with autosomal recessive TBC1D24-related conditions (PMID: 28252636, 31922275; internal data). In at least one individual the data is consistent with being in trans (on the opposite chromosome) from a pathogenic variant. ClinVar contains an entry for this variant (Variation ID: 207503). Invitae Evidence Modeling of protein sequence and biophysical properties (such as structural, functional, and spatial information, amino acid conservation, physicochemical variation, residue mobility, and thermodynamic stability) has been performed for this missense variant. However, the output from this modeling did not meet the statistical confidence thresholds required to predict the impact of this variant on TBC1D24 protein function. This variant disrupts the p.Arg227 amino acid residue in TBC1D24. Other variant(s) that disrupt this residue have been determined to be pathogenic (internal data). This suggests that this residue is clinically significant, and that variants that disrupt this residue are likely to be disease-causing. For these reasons, this variant has been classified as Pathogenic.

Blueprint Genetics
Classification: Uncertain significance. Last evaluated: 2024-01-09. Review status: criteria provided, single submitter. Criteria: ACMG Guidelines, 2015. Collection method: clinical testing. Allele origin: germline.

Ambry Genetics
Classification: Likely pathogenic for Inborn genetic diseases. Last evaluated: 2017-06-12. Review status: criteria provided, single submitter. Criteria: Ambry exome assertion method (8-5-2015). Collection method: clinical testing. Allele origin: germline. Affected: yes. Observed: 1 variant allele.

Literature cited by the submitters: PubMed 28252636 (cited by Labcorp Genetics (formerly Invitae), Labcorp); PubMed 31922275 (cited by Labcorp Genetics (formerly Invitae), Labcorp); PubMed 16855591 (cited by Ambry Genetics); PubMed 27281533 (cited by Ambry Genetics); PubMed 24291220 (cited by Ambry Genetics).